The following is an entry in ClinVar:

NM_206933.4(USH2A):c.5959T>A (p.Tyr1987Asn)

Gene: USH2A (usherin; minus strand). Cytogenetic location: 1q41.
Variant type: single nucleotide variant.
Coding change: c.5959T>A on transcript NM_206933.4 (MANE Select); coding-DNA position 5959, T replaced by A.
Protein change: p.Tyr1987Asn; replaces tyrosine 1987 with asparagine.
Molecular consequence: missense variant.
Genome position (GRCh38, 1-based): chr1:216,070,191, A>T on the plus strand (T>A on the coding strand, the complement: USH2A is on the minus strand). VCF-style: chr1-216070191-A-T. GRCh37 (hg19) VCF-style: chr1-216243533-A-T.
Other names: short protein forms Y1987N.
Identifiers: ClinVar variation 866577 (VCV000866577.11), dbSNP rs747652397, ClinGen allele CA1395289.

ClinVar aggregate classification (germline): Conflicting classifications of pathogenicity. Review status: criteria provided, conflicting classifications (1 of 4 stars). 6 submissions from 5 submitters: Likely pathogenic (2); Uncertain significance (4). Last evaluated 2025-12-16.

Conditions:
USH2A-related disorder. Also called: USH2A-related condition; USH2A-related disorders. Identifiers: MedGen CN239332.
Retinal dystrophy. Also called: Inherited retinal dystrophy. Identifiers: Orphanet 71862, MedGen C0854723, MeSH D058499, MONDO:0019118, HP:0000556.
Retinitis pigmentosa 39 (RP39). Identifiers: Orphanet 791, MedGen C3151138, MONDO:0013436, OMIM 613809.
Usher syndrome type 2A. Also called: RETINAL DISEASE IN USHER SYNDROME TYPE IIA, MODIFIER OF; USHER SYNDROME, TYPE IIA. Identifiers: Orphanet 231178, Orphanet 886, MedGen C1848634, MONDO:0010169, OMIM 276901.

Allele frequency attached by ClinVar (database versions not stated): TOPMed 0.00005.

Submissions (6):

Labcorp Genetics (formerly Invitae), Labcorp
Classification: Likely pathogenic. Last evaluated: 2025-12-16. Review status: criteria provided, single submitter. Criteria: Invitae Variant Classification Sherloc (09022015). Collection method: clinical testing. Allele origin: germline.
Comment: This sequence change replaces tyrosine, which is neutral and polar, with asparagine, which is neutral and polar, at codon 1987 of the USH2A protein (p.Tyr1987Asn). This variant is present in population databases (rs747652397, gnomAD 0.008%). This missense change has been observed in individual(s) with Usher syndrome (PMID: 30073356, 38927702). ClinVar contains an entry for this variant (Variation ID: 866577). Invitae Evidence Modeling of protein sequence and biophysical properties (such as structural, functional, and spatial information, amino acid conservation, physicochemical variation, residue mobility, and thermodynamic stability) indicates that this missense variant is expected to disrupt USH2A protein function with a positive predictive value of 95%. In summary, the currently available evidence indicates that the variant is pathogenic, but additional data are needed to prove that conclusively. Therefore, this variant has been classified as Likely Pathogenic.

Blueprint Genetics
Classification: Likely pathogenic for USH2A-related disorders. Last evaluated: 2024-02-27. Review status: criteria provided, single submitter. Criteria: ACMG Guidelines, 2015. Collection method: clinical testing. Allele origin: germline. Affected: yes. Observed: 5 variant alleles.

Genome-Nilou Lab
Classification: Uncertain significance for Retinitis pigmentosa 39. Last evaluated: 2023-11-04. Review status: criteria provided, single submitter. Criteria: ACMG Guidelines, 2015. Collection method: clinical testing. Allele origin: germline. Affected: no.

Genome-Nilou Lab
Classification: Uncertain significance for Usher syndrome type 2A. Last evaluated: 2023-11-04. Review status: criteria provided, single submitter. Criteria: ACMG Guidelines, 2015. Collection method: clinical testing. Allele origin: germline. Affected: no.

Institute of Human Genetics, Univ. Regensburg, Univ. Regensburg
Classification: Uncertain significance for Retinal dystrophy. Last evaluated: 2023-01-01. Review status: criteria provided, single submitter. Criteria: ACMG Guidelines, 2015. Collection method: clinical testing. Allele origin: germline. Affected: yes.

Fulgent Genetics
Classification: Uncertain significance for Usher syndrome type 2A; Retinitis pigmentosa 39. Last evaluated: 2022-05-04. Review status: criteria provided, single submitter. Criteria: ACMG Guidelines, 2015. Collection method: clinical testing. Allele origin: unknown.

Literature cited by the submitters: PubMed 30073356 (cited by Labcorp Genetics (formerly Invitae), Labcorp and Institute of Human Genetics, Univ. Regensburg, Univ. Regensburg); PubMed 38927702 (cited by Labcorp Genetics (formerly Invitae), Labcorp).